The following is an entry in ClinVar:

NM_020693.4(DSCAML1):c.143C>T (p.Pro48Leu)

Gene: DSCAML1 (DS cell adhesion molecule like 1; minus strand). Cytogenetic location: 11q23.3.
Variant type: single nucleotide variant.
Coding change: c.143C>T on transcript NM_020693.4 (MANE Select); coding-DNA position 143, C replaced by T.
Protein change: p.Pro48Leu; replaces proline 48 with leucine.
Molecular consequence: missense variant. On other transcripts: 5 prime UTR variant (1).
Genome position (GRCh38, 1-based): chr11:117,780,714, G>A on the plus strand (C>T on the coding strand, the complement: DSCAML1 is on the minus strand). VCF-style: chr11-117780714-G-A. GRCh37 (hg19) VCF-style: chr11-117651429-G-A.
Other names: c.143C>T, p.Pro48Leu (NM_001367904.1); c.-266C>T (NM_001367905.1); short protein forms P48L.
Identifiers: ClinVar variation 4807588 (VCV004807588.1).

ClinVar aggregate classification (germline): Uncertain significance (1 of 4 stars; one submission).

gnomAD v4.1: 5 of 1,578,984 alleles (0.00032%); highest among the groups gnomAD compares: Admixed American, 0.0018%; no homozygotes.

Submission:

Labcorp Genetics (formerly Invitae), Labcorp
Classification: Uncertain significance. Last evaluated: 2025-07-20. Review status: criteria provided, single submitter. Criteria: Invitae Variant Classification Sherloc (09022015). Collection method: clinical testing. Allele origin: germline.
Comment: This sequence change replaces proline, which is neutral and non-polar, with leucine, which is neutral and non-polar, at codon 108 of the DSCAML1 protein (p.Pro108Leu). This variant is not present in population databases (gnomAD no frequency). This variant has not been reported in the literature in individuals affected with DSCAML1-related conditions. An algorithm developed to predict the effect of missense changes on protein structure and function (PolyPhen-2) suggests that this variant is likely to be disruptive. In summary, the available evidence is currently insufficient to determine the role of this variant in disease. Therefore, it has been classified as a Variant of Uncertain Significance.